The following is an entry in ClinVar:

NM_133379.5(TTN):c.13165G>A (p.Val4389Ile)

Gene: TTN (titin; minus strand). Cytogenetic location: 2q31.2.
Variant type: single nucleotide variant.
Coding change: c.13165G>A on transcript NM_133379.5; coding-DNA position 13165, G replaced by A.
Protein change: p.Val4389Ile; replaces valine 4389 with isoleucine.
Molecular consequence: missense variant. On other transcripts: intron variant (6).
Genome position (GRCh38, 1-based): chr2:178,749,235, C>T on the plus strand (G>A on the coding strand, the complement: TTN is on the minus strand). VCF-style: chr2-178749235-C-T. GRCh37 (hg19) VCF-style: chr2-179613962-C-T.
Other names: p.V4389I:GTC>ATC; c.10222+3889G>A (NM_003319.4); c.10798+3889G>A (NM_133437.4); c.10597+3889G>A (NM_133432.3); c.11311+3889G>A (NM_001267550.2); c.10360+3889G>A (NM_133378.4, NM_001256850.1); c.13165G>A (NM_133379.4); short protein forms V4389I.
Identifiers: ClinVar variation 47749 (VCV000047749.31), dbSNP rs72648903, ClinGen allele CA284449.

ClinVar aggregate classification (germline): Benign/Likely benign. Review status: criteria provided, multiple submitters, no conflicts (2 of 4 stars). 10 submissions from 10 submitters: Benign (5); Likely benign (1). 4 of the submissions do not count toward it. Last evaluated 2026-03-27.

Conditions:
TTN-related disorder. Also called: TTN-related condition; TTN-related disease; TTN-related disorders.

Allele frequency attached by ClinVar (database versions not stated): gnomAD exomes 0.00394 and 0.00155; gnomAD 0.01724 and 0.01615; ESP Exome Variant Server 0.01747; 1000 Genomes Project 0.01897; 1000 Genomes Project 30x 0.02030; ExAC 0.00519; TOPMed 0.01844.
gnomAD v4.1: 4,820 of 1,611,590 alleles (0.3%); highest among the groups gnomAD compares: African/African-American, 5.8%; 135 homozygotes.

Submissions (10):

Molecular Diagnostic Laboratory for Inherited Cardiovascular Disease, Montreal Heart Institute
Classification: Likely benign. Last evaluated: 2026-03-27. Review status: criteria provided, single submitter. Criteria: ACMG Guidelines, 2015. Collection method: clinical testing. Allele origin: germline. Affected: no.

ARUP Laboratories, Molecular Genetics and Genomics, ARUP Laboratories
Classification: Benign. Last evaluated: 2025-07-08. Review status: criteria provided, single submitter. Criteria: ARUP Molecular Germline Variant Investigation Process 2024. Collection method: clinical testing. Allele origin: germline.

GeneDx
Classification: Benign. Last evaluated: 2014-02-10. Review status: criteria provided, single submitter. Criteria: GeneDx Variant Classification (06012015). Collection method: clinical testing. Allele origin: germline. Affected: yes.
Comment: This variant is considered likely benign or benign based on one or more of the following criteria: it is a conservative change, it occurs at a poorly conserved position in the protein, it is predicted to be benign by multiple in silico algorithms, and/or has population frequency not consistent with disease.

Biesecker Lab/Clinical Genomics Section, National Institutes of Health
Classification: Benign. Last evaluated: 2013-06-24. Review status: criteria provided, single submitter. Criteria: Ng et al. (Circ Cardiovasc Genet. 2013). Collection method: research. Allele origin: unknown. Observed: 2 variant alleles. Study: ClinSeq.
Comment: The study set was not selected for affection status in relation to any cancer. Pathogenicity categories were based on literature curation. See Pubmed ID:23861362 for details.

Medical sequencing

Laboratory for Molecular Medicine, Mass General Brigham Personalized Medicine
Classification: Benign. Last evaluated: 2012-10-31. Review status: criteria provided, single submitter. Criteria: LMM Criteria. Collection method: clinical testing. Allele origin: germline. Observed: 17 variant alleles.
Comment: Val4389Ile in exon 45A of TTN: This variant is not expected to have clinical sig nificance because it has been identified in 5% (221/4400) of African American ch romosomes from a broad population by the NHLBI Exome Sequencing Project (dbSNP rs72648903).

Breakthrough Genomics
Classification: Benign. Review status: criteria provided, single submitter. Criteria: ACMG Guidelines, 2015. Collection method: not provided. Allele origin: germline. Inheritance: Autosomal recessive inheritance. Affected: yes.

PreventionGenetics, part of Exact Sciences
Classification: Benign for TTN-related condition. Last evaluated: 2019-03-12. Review status: no assertion criteria provided. Collection method: clinical testing. Allele origin: germline. Not counted in ClinVar's aggregate classification.
Comment: This variant is classified as benign based on ACMG/AMP sequence variant interpretation guidelines (Richards et al. 2015 PMID: 25741868, with internal and published modifications).

Clinical Genetics, Academic Medical Center
Classification: Benign. Review status: no assertion criteria provided. Collection method: clinical testing. Allele origin: germline. Affected: yes. Study: VKGL Data-share Consensus. Not counted in ClinVar's aggregate classification.

Diagnostic Laboratory, Department of Genetics, University Medical Center Groningen
Classification: Likely benign. Review status: no assertion criteria provided. Collection method: clinical testing. Allele origin: germline. Affected: yes. Study: VKGL Data-share Consensus. Not counted in ClinVar's aggregate classification.

Joint Genome Diagnostic Labs from Nijmegen and Maastricht, Radboudumc and MUMC+
Classification: Benign. Review status: no assertion criteria provided. Collection method: clinical testing. Allele origin: germline. Affected: yes. Study: VKGL Data-share Consensus. Not counted in ClinVar's aggregate classification.